The following is an entry in ClinVar:

ClinVar aggregate classification (germline): Uncertain significance (1 of 4 stars; one submission).

Conditions:
Fanconi anemia (FA). Also called: Fanconi's anemia. Identifiers: Orphanet 84, MedGen C0015625, MeSH D005199, MONDO:0019391.

Allele frequency attached by ClinVar (database versions not stated): gnomAD exomes below 0.00001.
gnomAD v4.1: 1 of 1,614,200 alleles (0.000062%); highest among the groups gnomAD compares: African/African-American, 0.0013%; no homozygotes.

Submission:

Labcorp Genetics (formerly Invitae), Labcorp
Classification: Uncertain significance for Fanconi anemia. Last evaluated: 2022-06-03. Review status: criteria provided, single submitter. Criteria: Invitae Variant Classification Sherloc (09022015). Collection method: clinical testing. Allele origin: germline.
Comment: This sequence change replaces glycine, which is neutral and non-polar, with aspartic acid, which is acidic and polar, at codon 282 of the FANCF protein (p.Gly282Asp). This variant is not present in population databases (gnomAD no frequency). In summary, the available evidence is currently insufficient to determine the role of this variant in disease. Therefore, it has been classified as a Variant of Uncertain Significance. Algorithms developed to predict the effect of missense changes on protein structure and function are either unavailable or do not agree on the potential impact of this missense change (SIFT: "Deleterious"; PolyPhen-2: "Probably Damaging"; Align-GVGD: "Class C15"). ClinVar contains an entry for this variant (Variation ID: 1445699). This variant has not been reported in the literature in individuals affected with FANCF-related conditions.

NM_022725.4(FANCF):c.845G>A (p.Gly282Asp)

Gene: FANCF (FA complementation group F; minus strand). Cytogenetic location: 11p14.3.
Variant type: single nucleotide variant.
Coding change: c.845G>A on transcript NM_022725.4 (MANE Select); coding-DNA position 845, G replaced by A.
Protein change: p.Gly282Asp; replaces glycine 282 with aspartic acid.
Molecular consequence: missense variant.
Genome position (GRCh38, 1-based): chr11:22,624,966, C>T on the plus strand (G>A on the coding strand, the complement: FANCF is on the minus strand). VCF-style: chr11-22624966-C-T. GRCh37 (hg19) VCF-style: chr11-22646512-C-T.
Other names: short protein forms G282D.
Identifiers: ClinVar variation 1445699 (VCV001445699.6), dbSNP rs2133796678, ClinGen allele CA380058215.